The following is an entry in ClinVar:

ClinVar aggregate classification (germline): Uncertain significance. Review status: criteria provided, multiple submitters, no conflicts (2 of 4 stars). 3 submissions from 3 submitters: Uncertain significance (3). Last evaluated 2025-03-09.

Conditions:
Inborn genetic diseases. Identifiers: MedGen C0950123, MeSH D030342.

Allele frequency attached by ClinVar (database versions not stated): gnomAD exomes below 0.00001 and 0.00001; TOPMed 0.00002.
gnomAD v4.1: 17 of 1,612,560 alleles (0.0011%); highest among the groups gnomAD compares: Non-Finnish European, 0.0014%; no homozygotes.

Submissions (3):

Labcorp Genetics (formerly Invitae), Labcorp
Classification: Uncertain significance. Last evaluated: 2025-03-09. Review status: criteria provided, single submitter. Criteria: Invitae Variant Classification Sherloc (09022015). Collection method: clinical testing. Allele origin: germline.
Comment: This sequence change replaces glutamic acid, which is acidic and polar, with lysine, which is basic and polar, at codon 792 of the HPS5 protein (p.Glu792Lys). This variant is present in population databases (no rsID available, gnomAD 0.002%). This variant has not been reported in the literature in individuals affected with HPS5-related conditions. ClinVar contains an entry for this variant (Variation ID: 1501182). An algorithm developed to predict the effect of missense changes on protein structure and function (PolyPhen-2) suggests that this variant is likely to be tolerated. In summary, the available evidence is currently insufficient to determine the role of this variant in disease. Therefore, it has been classified as a Variant of Uncertain Significance.

Blueprint Genetics
Classification: Uncertain significance. Last evaluated: 2024-10-09. Review status: criteria provided, single submitter. Criteria: ACMG Guidelines, 2015. Collection method: clinical testing. Allele origin: germline.

Ambry Genetics
Classification: Uncertain significance for Inborn genetic diseases. Last evaluated: 2024-05-26. Review status: criteria provided, single submitter. Criteria: Ambry Variant Classification Scheme 2023. Collection method: clinical testing. Allele origin: germline.

NM_181507.2(HPS5):c.2374G>A (p.Glu792Lys)

Gene: HPS5 (HPS5 biogenesis of lysosomal organelles complex 2 subunit 2; minus strand). Cytogenetic location: 11p15.1.
Variant type: single nucleotide variant.
Coding change: c.2374G>A on transcript NM_181507.2 (MANE Select); coding-DNA position 2374, G replaced by A.
Protein change: p.Glu792Lys; replaces glutamic acid 792 with lysine.
Molecular consequence: missense variant.
Genome position (GRCh38, 1-based): chr11:18,291,508, C>T on the plus strand (G>A on the coding strand, the complement: HPS5 is on the minus strand). VCF-style: chr11-18291508-C-T. GRCh37 (hg19) VCF-style: chr11-18313055-C-T.
Other names: c.2032G>A, p.Glu678Lys (NM_007216.4, NM_181508.2); short protein forms E678K, E792K.
Identifiers: ClinVar variation 1501182 (VCV001501182.9), dbSNP rs893964900, ClinGen allele CA218538622.